The following is an entry in ClinVar:

NM_020919.4(ALS2):c.2525G>C (p.Arg842Thr)

Gene: ALS2 (alsin Rho guanine nucleotide exchange factor ALS2; minus strand). Cytogenetic location: 2q33.1.
Variant type: single nucleotide variant.
Coding change: c.2525G>C on transcript NM_020919.4 (MANE Select); coding-DNA position 2525, G replaced by C.
Protein change: p.Arg842Thr; replaces arginine 842 with threonine.
Molecular consequence: missense variant.
Genome position (GRCh38, 1-based): chr2:201,733,331, C>G on the plus strand (G>C on the coding strand, the complement: ALS2 is on the minus strand). VCF-style: chr2-201733331-C-G. GRCh37 (hg19) VCF-style: chr2-202598054-C-G.
Other names: c.2525G>C, p.Arg842Thr (NM_001410975.1); short protein forms R842T.
Identifiers: ClinVar variation 2824945 (VCV002824945.3), dbSNP rs2469807518, ClinGen allele CA350324057.

ClinVar aggregate classification (germline): Uncertain significance (1 of 4 stars; one submission).

Conditions:
Infantile-onset ascending hereditary spastic paralysis (IAHSP). Also called: Autosomal Recessive Juvenile Amyotrophic Lateral Sclerosis; Infantile-Onset Ascending Hereditary Spastic Paralysis (IAHSP). Identifiers: Orphanet 293168, MedGen C2931441, MONDO:0011797, OMIM 607225. Disease mechanism: loss of function.

Submission:

Labcorp Genetics (formerly Invitae), Labcorp
Classification: Uncertain significance for Infantile-onset ascending hereditary spastic paralysis. Last evaluated: 2022-12-30. Review status: criteria provided, single submitter. Criteria: Invitae Variant Classification Sherloc (09022015). Collection method: clinical testing. Allele origin: germline.
Comment: In summary, the available evidence is currently insufficient to determine the role of this variant in disease. Therefore, it has been classified as a Variant of Uncertain Significance. Advanced modeling of protein sequence and biophysical properties (such as structural, functional, and spatial information, amino acid conservation, physicochemical variation, residue mobility, and thermodynamic stability) performed at Invitae indicates that this missense variant is not expected to disrupt ALS2 protein function. This variant has not been reported in the literature in individuals affected with ALS2-related conditions. This variant is not present in population databases (gnomAD no frequency). This sequence change replaces arginine, which is basic and polar, with threonine, which is neutral and polar, at codon 842 of the ALS2 protein (p.Arg842Thr).